The following is an entry in ClinVar:

NM_001386393.1(PANK2):c.108G>A (p.Ser36=)

Genes: PANK2 (pantothenate kinase 2; plus strand), LOC130065345 (ATAC-STARR-seq lymphoblastoid silent region 12635; plus strand). Cytogenetic location: 20p13.
Variant type: single nucleotide variant.
Coding change: c.108G>A on transcript NM_001386393.1 (MANE Select); coding-DNA position 108, G replaced by A.
Protein change: p.Ser36=; no amino-acid change (serine 36 retained).
Molecular consequence: synonymous variant. On other transcripts: 5 prime UTR variant (1), non-coding transcript variant (1), intron variant (1).
Genome position (GRCh38, 1-based): chr20:3,889,538, G>A. VCF-style: chr20-3889538-G-A. GRCh37 (hg19) VCF-style: chr20-3870185-G-A.
Other names: c.-604G>A (NM_001324191.2); c.438G>A, p.Ser146= (NM_001324192.1, NM_153638.4); c.-246+634G>A (NM_024960.6).
Identifiers: ClinVar variation 2144154 (VCV002144154.26), dbSNP rs1037083433, ClinGen allele CA311088873.

ClinVar aggregate classification (germline): Likely benign. Review status: criteria provided, multiple submitters, no conflicts (2 of 4 stars). 2 submissions from 2 submitters: Likely benign (2). Last evaluated 2025-12-03.

Conditions:
Pigmentary pallidal degeneration (NBIA1). Also called: PKAN NEUROAXONAL DYSTROPHY, JUVENILE-ONSET; Neurodegeneration with brain iron accumulation 1; Neuroaxonal dystrophy, late infantile; Hallervorden-Spatz disease; Pantothenate Kinase-Associated Neurodegeneration; HARP SYNDROME. Identifiers: Orphanet 157850, MedGen C0018523, MONDO:0009319, OMIM 234200.

gnomAD v4.1: 49 of 1,421,858 alleles (0.0034%); highest among the groups gnomAD compares: Non-Finnish European, 0.0042%; no homozygotes.

Submissions (2):

Labcorp Genetics (formerly Invitae), Labcorp
Classification: Likely benign for Pigmentary pallidal degeneration. Last evaluated: 2025-12-03. Review status: criteria provided, single submitter. Criteria: Invitae Variant Classification Sherloc (09022015). Collection method: clinical testing. Allele origin: germline.

CeGaT Center for Human Genetics Tuebingen
Classification: Likely benign. Last evaluated: 2024-01-01. Review status: criteria provided, single submitter. Criteria: CeGaT Center For Human Genetics Tuebingen Variant Classification Criteria Version 2. Collection method: clinical testing. Allele origin: germline. Affected: yes. Observed: 1 variant allele.
Comment: PANK2: BP4, BP7